The following is an entry in ClinVar:

NM_182961.4(SYNE1):c.23346_23349delinsAATGAAT (p.Trp7782_Ala7783delinsTer)

Gene: SYNE1 (spectrin repeat containing nuclear envelope protein 1; minus strand). Cytogenetic location: 6q25.2.
Variant type: Indel.
Coding change: c.23346_23349delinsAATGAAT on transcript NM_182961.4 (MANE Select); coding-DNA positions 23346 to 23349, GGCA replaced by AATGAAT.
Protein change: p.Trp7782_Ala7783delinsTer.
Molecular consequence: nonsense. On other transcripts: 5 prime UTR variant (1).
Genome position (GRCh38, 1-based): chr6:152,180,247-152,180,250, TGCC replaced by ATTCATT on the plus strand (GGCA replaced by AATGAAT on the coding strand, the reverse complement: SYNE1 is on the minus strand). VCF-style: chr6-152180247-TGCC-ATTCATT. GRCh37 (hg19) VCF-style: chr6-152501382-TGCC-ATTCATT.
Other names: c.-49_-46delinsAATGAAT (NM_001347701.2); c.23133_23136delinsAATGAAT, p.Trp7711_Ala7712delinsTer (NM_033071.5).
Identifiers: ClinVar variation 994802 (VCV000994802.1), dbSNP rs2067614941, ClinGen allele CA1139659868.

ClinVar aggregate classification (germline): Likely pathogenic (1 of 4 stars; one submission).

Submission:

Athena Diagnostics
Classification: Likely pathogenic. Last evaluated: 2019-11-01. Review status: criteria provided, single submitter. Criteria: Athena Diagnostics Criteria. Collection method: clinical testing. Allele origin: unknown.
Comment: The variant creates a premature nonsense codon, and is therefore predicted to result in the loss of a functional protein. Not found in the total gnomAD dataset, and the data is high quality.